The following is an entry in ClinVar:

ClinVar aggregate classification (germline): Uncertain significance (1 of 4 stars; one submission).

Conditions:
Spastic paraplegia. Identifiers: MedGen C0037772, HP:0001258.

Allele frequency attached by ClinVar (database versions not stated): TOPMed below 0.00001; gnomAD exomes below 0.00001.
gnomAD v4.1: 2 of 1,613,894 alleles (0.00012%); highest among the groups gnomAD compares: Non-Finnish European, 0.000085%; no homozygotes.

Submission:

Labcorp Genetics (formerly Invitae), Labcorp
Classification: Uncertain significance for Spastic paraplegia. Last evaluated: 2022-07-11. Review status: criteria provided, single submitter. Criteria: Invitae Variant Classification Sherloc (09022015). Collection method: clinical testing. Allele origin: germline.
Comment: In summary, the available evidence is currently insufficient to determine the role of this variant in disease. Therefore, it has been classified as a Variant of Uncertain Significance. Algorithms developed to predict the effect of sequence changes on RNA splicing suggest that this variant may create or strengthen a splice site. Algorithms developed to predict the effect of missense changes on protein structure and function are either unavailable or do not agree on the potential impact of this missense change (SIFT: "Deleterious"; PolyPhen-2: "Probably Damaging"; Align-GVGD: "Class C0"). ClinVar contains an entry for this variant (Variation ID: 458250). This variant has not been reported in the literature in individuals affected with AP4E1-related conditions. This variant is not present in population databases (gnomAD no frequency). This sequence change replaces alanine, which is neutral and non-polar, with valine, which is neutral and non-polar, at codon 213 of the AP4E1 protein (p.Ala213Val).

NM_007347.5(AP4E1):c.638C>T (p.Ala213Val)

Gene: AP4E1 (adaptor related protein complex 4 subunit epsilon 1; plus strand). Cytogenetic location: 15q21.2.
Variant type: single nucleotide variant.
Coding change: c.638C>T on transcript NM_007347.5 (MANE Select); coding-DNA position 638, C replaced by T.
Protein change: p.Ala213Val; replaces alanine 213 with valine.
Molecular consequence: missense variant.
Genome position (GRCh38, 1-based): chr15:50,929,104, C>T. VCF-style: chr15-50929104-C-T. GRCh37 (hg19) VCF-style: chr15-51221301-C-T.
Other names: c.413C>T, p.Ala138Val (NM_001252127.2); short protein forms A213V, A138V.
Identifiers: ClinVar variation 458250 (VCV000458250.8), dbSNP rs1555455254, ClinGen allele CA392415831.
Genomic context (GRCh38, chr15:50,929,104, plus strand): 5'-ACAAATTCCATCTCATTGCTCCTAATCAAGTACAACATATTCATATTAAGTTTCGGAAAG[C>T]ACTTTGTGACAGAGATGTTGGGGTCATGGCTGCCTCCTTGCATATATATCTTAGAATGAT-3'
Protein context (NP_031373.2, residues 203-223): VQHIHIKFRK[Ala213Val]LCDRDVGVMA